The following is an entry in ClinVar:

NM_001170629.2(CHD8):c.5165T>G (p.Val1722Gly)

Gene: CHD8 (chromodomain helicase DNA binding protein 8; minus strand). Cytogenetic location: 14q11.2.
Variant type: single nucleotide variant.
Coding change: c.5165T>G on transcript NM_001170629.2 (MANE Select); coding-DNA position 5165, T replaced by G.
Protein change: p.Val1722Gly; replaces valine 1722 with glycine.
Molecular consequence: missense variant.
Genome position (GRCh38, 1-based): chr14:21,395,315, A>C on the plus strand (T>G on the coding strand, the complement: CHD8 is on the minus strand). VCF-style: chr14-21395315-A-C. GRCh37 (hg19) VCF-style: chr14-21863474-A-C.
Other names: c.4328T>G, p.Val1443Gly (NM_020920.4); short protein forms V1443G, V1722G.
Identifiers: ClinVar variation 1719822 (VCV001719822.5), dbSNP rs2501864408, ClinGen allele CA388884444.

ClinVar aggregate classification (germline): Uncertain significance (1 of 4 stars; one submission).

gnomAD v4.1: 1 of 1,608,814 alleles (0.000062%); highest among the groups gnomAD compares: Non-Finnish European, 0.000085%; no homozygotes.

Submission:

Labcorp Genetics (formerly Invitae), Labcorp
Classification: Uncertain significance. Last evaluated: 2025-05-16. Review status: criteria provided, single submitter. Criteria: Invitae Variant Classification Sherloc (09022015). Collection method: clinical testing. Allele origin: germline.
Comment: This sequence change replaces valine, which is neutral and non-polar, with glycine, which is neutral and non-polar, at codon 1722 of the CHD8 protein (p.Val1722Gly). This variant is not present in population databases (gnomAD no frequency). This variant has not been reported in the literature in individuals affected with CHD8-related conditions. ClinVar contains an entry for this variant (Variation ID: 1719822). Invitae Evidence Modeling of protein sequence and biophysical properties (such as structural, functional, and spatial information, amino acid conservation, physicochemical variation, residue mobility, and thermodynamic stability) indicates that this missense variant is not expected to disrupt CHD8 protein function with a negative predictive value of 95%. In summary, the available evidence is currently insufficient to determine the role of this variant in disease. Therefore, it has been classified as a Variant of Uncertain Significance.